The following is an entry in ClinVar:

NM_181078.3(IL21R):c.67C>T (p.Leu23Phe)

Gene: IL21R (interleukin 21 receptor; plus strand). Cytogenetic location: 16p12.1.
Variant type: single nucleotide variant.
Coding change: c.67C>T on transcript NM_181078.3 (MANE Select); coding-DNA position 67, C replaced by T.
Protein change: p.Leu23Phe; replaces leucine 23 with phenylalanine.
Molecular consequence: missense variant.
Genome position (GRCh38, 1-based): chr16:27,434,364, C>T. VCF-style: chr16-27434364-C-T. GRCh37 (hg19) VCF-style: chr16-27445685-C-T.
Other names: c.67C>T, p.Leu23Phe (NM_021798.4); c.133C>T, p.Leu45Phe (NM_181079.5); short protein forms L23F, L45F.
Identifiers: ClinVar variation 1412255 (VCV001412255.6), dbSNP rs760116270, ClinGen allele CA7974862.

ClinVar aggregate classification (germline): Uncertain significance (1 of 4 stars; one submission).

Conditions:
Cryptosporidiosis-chronic cholangitis-liver disease syndrome. Also called: Immunodeficiency type 56; IL21R immunodeficiency. Identifiers: Orphanet 357329, MedGen C3554687, MONDO:0014082, OMIM 615207.

Allele frequency attached by ClinVar (database versions not stated): ExAC 0.00002; gnomAD 0.00002; gnomAD exomes 0.00002.
gnomAD v4.1: 32 of 1,613,682 alleles (0.002%); highest among the groups gnomAD compares: South Asian, 0.034%; no homozygotes.

Submission:

Labcorp Genetics (formerly Invitae), Labcorp
Classification: Uncertain significance for Cryptosporidiosis-chronic cholangitis-liver disease syndrome. Last evaluated: 2022-02-09. Review status: criteria provided, single submitter. Criteria: Invitae Variant Classification Sherloc (09022015). Collection method: clinical testing. Allele origin: germline.
Comment: In summary, the available evidence is currently insufficient to determine the role of this variant in disease. Therefore, it has been classified as a Variant of Uncertain Significance. Algorithms developed to predict the effect of missense changes on protein structure and function are either unavailable or do not agree on the potential impact of this missense change (SIFT: "Deleterious"; PolyPhen-2: "Possibly Damaging"; Align-GVGD: "Class C0"). This variant has not been reported in the literature in individuals affected with IL21R-related conditions. This variant is present in population databases (rs760116270, gnomAD 0.02%). This sequence change replaces leucine, which is neutral and non-polar, with phenylalanine, which is neutral and non-polar, at codon 23 of the IL21R protein (p.Leu23Phe).